The following is an entry in ClinVar:

NM_030650.3(LNPK):c.806A>G (p.Gln269Arg)

Gene: LNPK (lunapark, ER junction formation factor; minus strand). Cytogenetic location: 2q31.1.
Variant type: single nucleotide variant.
Coding change: c.806A>G on transcript NM_030650.3 (MANE Select); coding-DNA position 806, A replaced by G.
Protein change: p.Gln269Arg; replaces glutamine 269 with arginine.
Molecular consequence: missense variant. On other transcripts: non-coding transcript variant (1).
Genome position (GRCh38, 1-based): chr2:175,939,558, T>C on the plus strand (A>G on the coding strand, the complement: LNPK is on the minus strand). VCF-style: chr2-175939558-T-C. GRCh37 (hg19) VCF-style: chr2-176804286-T-C.
Other names: c.1004A>G, p.Gln335Arg (NM_001305008.1); c.899A>G, p.Gln300Arg (NM_001305009.1); c.812A>G, p.Gln271Arg (NM_001305010.1); c.437A>G, p.Gln146Arg (NM_001305011.2); short protein forms Q146R, Q269R, Q271R, Q300R, Q335R.
Identifiers: ClinVar variation 2628621 (VCV002628621.2), dbSNP rs2468519375, ClinGen allele CA349696532.

ClinVar aggregate classification (germline): Uncertain significance (1 of 4 stars; one submission).

Conditions:
LNPK-related disorder. Also called: LNPK-related condition.

Allele frequency attached by ClinVar (database versions not stated): gnomAD exomes below 0.00001.
gnomAD v4.1: 1 of 1,542,914 alleles (0.000065%); highest among the groups gnomAD compares: African/African-American, 0.0014%; no homozygotes.

Submission:

PreventionGenetics, part of Exact Sciences
Classification: Uncertain significance for LNPK-related condition. Last evaluated: 2026-04-28. Review status: criteria provided, single submitter. Criteria: ACMG Guidelines, 2015. Collection method: clinical testing. Allele origin: germline.
Comment: The LNPK c.1004A>G variant is predicted to result in the amino acid substitution p.Gln335Arg. To our knowledge, this variant has not been reported in the literature or in a large population database (gnomAD), indicating this variant is rare. At this time, the clinical significance of this variant is uncertain due to the absence of conclusive functional and genetic evidence.